The following is an entry in ClinVar:

ClinVar aggregate classification (germline): Pathogenic (1 of 4 stars; one submission).

Conditions:
Neurodevelopmental disorder with impaired intellectual development, hypotonia, and ataxia. Identifiers: MedGen C4749014, MONDO:0032661, OMIM 618292.

Submission:

Women's Health and Genetics/Laboratory Corporation of America, LabCorp
Classification: Pathogenic for Neurodevelopmental disorder with impaired intellectual development, hypotonia, and ataxia. Last evaluated: 2026-04-28. Review status: criteria provided, single submitter. Criteria: LabCorp Variant Classification Summary - May 2015. Collection method: clinical testing. Allele origin: germline.
Comment: Variant summary: DOCK3 c.514dupT (p.Ser172PhefsX5) results in a premature termination codon, predicted to cause a truncation of the encoded protein or absence of the protein due to nonsense mediated decay, which are commonly known mechanisms for disease. The variant was absent in 244394 control chromosomes. To our knowledge, no occurrence of c.514dupT in individuals affected with DOCK3-related conditions and no experimental evidence demonstrating its impact on protein function have been reported. No submitters have cited clinical-significance assessments for this variant to ClinVar. Based on the evidence outlined above, the variant was classified as pathogenic.

NM_004947.5(DOCK3):c.514dup (p.Ser172fs)

Gene: DOCK3 (dedicator of cytokinesis 3; plus strand). Cytogenetic location: 3p21.2.
Variant type: Duplication.
Coding change: c.514dup on transcript NM_004947.5 (MANE Select); coding-DNA position 514, one base duplicated (T; older notation c.514dupT).
Protein change: p.Ser172fs; shifts the reading frame from serine 172.
Molecular consequence: frameshift variant.
Genome position (GRCh38, 1-based): chr3:51,075,405, T duplicated. VCF-style (leftmost placement, unchanged base first): chr3-51075404-C-CT. GRCh37 (hg19) VCF-style: chr3-51112835-C-CT.
Other names: c.514dupT (NM_004947.5); short protein forms S172fs.
Identifiers: ClinVar variation 4848912 (VCV004848912.1).
Genomic context (GRCh38, chr3:51,075,404, plus strand): 5'-TCTCTTTACTAGACATTTGGGCCTGGACCTGGTGCCTCGGAAGGACTTTGAAGTAGTGGA[C>CT]TCGGACCAGATTAGTGTCTCAGATCTCTATAAGATGGTAAGAAATCTAACATGAGGTAGC-3'